The following is an entry in ClinVar:

ClinVar aggregate classification (germline): Benign/Likely benign. Review status: criteria provided, multiple submitters, no conflicts (2 of 4 stars). 6 submissions from 5 submitters: Benign (2); Likely benign (4). Last evaluated 2026-05-01.

Conditions:
Familial thoracic aortic aneurysm and aortic dissection (TAAD). Also called: Thoracic aortic aneurysms and dissections. Identifiers: Orphanet 91387, MedGen C4707243, MONDO:0019625.
Aortic valve disease 1 (AOVD1). Identifiers: MedGen C3887892, MONDO:0024523, OMIM 109730.
Adams-Oliver syndrome 5 (AOS5). Identifiers: Orphanet 974, MedGen C4014970, MONDO:0014459, OMIM 616028.

Allele frequency attached by ClinVar (database versions not stated): gnomAD 0.00001; ExAC 0.00003; gnomAD exomes 0.00003 and 0.00004; TOPMed 0.00003.
gnomAD v4.1: 38 of 1,613,002 alleles (0.0024%); highest among the groups gnomAD compares: Middle Eastern, 0.016%; no homozygotes.

Submissions (6):

CeGaT Center for Human Genetics Tuebingen
Classification: Likely benign. Last evaluated: 2026-05-01. Review status: criteria provided, single submitter. Criteria: CeGaT Center For Human Genetics Tuebingen Variant Classification Criteria Version 2. Collection method: clinical testing. Allele origin: germline. Affected: yes. Observed: 1 variant allele.
Comment: NOTCH1: BP4, BP7

Labcorp Genetics (formerly Invitae), Labcorp
Classification: Likely benign for Adams-Oliver syndrome 5. Last evaluated: 2025-11-24. Review status: criteria provided, single submitter. Criteria: Invitae Variant Classification Sherloc (09022015). Collection method: clinical testing. Allele origin: germline.

Blueprint Genetics
Classification: Likely benign. Last evaluated: 2023-04-28. Review status: criteria provided, single submitter. Criteria: ACMG Guidelines, 2015. Collection method: clinical testing. Allele origin: germline.

Genome-Nilou Lab
Classification: Benign for Adams-Oliver syndrome 5. Last evaluated: 2022-03-15. Review status: criteria provided, single submitter. Criteria: ACMG Guidelines, 2015. Collection method: clinical testing. Allele origin: germline. Affected: no.

Genome-Nilou Lab
Classification: Benign for Aortic valve disease 1. Last evaluated: 2022-03-15. Review status: criteria provided, single submitter. Criteria: ACMG Guidelines, 2015. Collection method: clinical testing. Allele origin: germline. Affected: no.

Ambry Genetics
Classification: Likely benign for Familial thoracic aortic aneurysm and aortic dissection. Last evaluated: 2017-10-13. Review status: criteria provided, single submitter. Criteria: Ambry Variant Classification Scheme 2023. Collection method: clinical testing. Allele origin: germline.

NM_017617.5(NOTCH1):c.2916C>T (p.Pro972=)

Gene: NOTCH1 (notch receptor 1; minus strand). Cytogenetic location: 9q34.3.
Variant type: single nucleotide variant.
Coding change: c.2916C>T on transcript NM_017617.5 (MANE Select); coding-DNA position 2916, C replaced by T.
Protein change: p.Pro972=; no amino-acid change (proline 972 retained).
Molecular consequence: synonymous variant.
Genome position (GRCh38, 1-based): chr9:136,509,786, G>A on the plus strand (C>T on the coding strand, the complement: NOTCH1 is on the minus strand). VCF-style: chr9-136509786-G-A. GRCh37 (hg19) VCF-style: chr9-139404238-G-A.
Other names: c.2916C>T, p.Pro972= (LRG_1122t1).
Identifiers: ClinVar variation 520071 (VCV000520071.18), dbSNP rs754724517, ClinGen allele CA5341113.